The following is an entry in ClinVar:

NM_006767.4(LZTR1):c.59C>T (p.Ala20Val)

Genes: LZTR1 (leucine zipper like post translational regulator 1; plus strand), LOC130067016 (ATAC-STARR-seq lymphoblastoid silent region 13504; plus strand). Cytogenetic location: 22q11.21.
Variant type: single nucleotide variant.
Coding change: c.59C>T on transcript NM_006767.4 (MANE Select); coding-DNA position 59, C replaced by T.
Protein change: p.Ala20Val; replaces alanine 20 with valine.
Molecular consequence: missense variant.
Genome position (GRCh38, 1-based): chr22:20,982,430, C>T. VCF-style: chr22-20982430-C-T. GRCh37 (hg19) VCF-style: chr22-21336719-C-T.
Other names: short protein forms A20V.
Identifiers: ClinVar variation 452228 (VCV000452228.13), dbSNP rs770762358, ClinGen allele CA10118278.

ClinVar aggregate classification (germline): Conflicting classifications of pathogenicity. Review status: criteria provided, conflicting classifications (1 of 4 stars). 5 submissions from 4 submitters: Uncertain significance (4); Likely benign (1). Last evaluated 2026-01-27.

Conditions:
Noonan syndrome 10 (NS10). Identifiers: Orphanet 648, MedGen C4225280, MONDO:0014693, OMIM 616564.
Hereditary cancer-predisposing syndrome. Also called: Hereditary Cancer Syndrome; Hereditary neoplastic syndrome; Neoplastic Syndromes, Hereditary; Tumor predisposition. Identifiers: Orphanet 140162, MedGen C0027672, MeSH D009386, MONDO:0015356.
Cardiovascular phenotype. Identifiers: MedGen CN230736.
LZTR1-related schwannomatosis. Also called: Schwannomatosis-2, susceptibility to; Schwannomatosis 2. Identifiers: Orphanet 93921, MedGen C3810283, MONDO:0014299, OMIM 615670.

Allele frequency attached by ClinVar (database versions not stated): ExAC below 0.00001; TOPMed below 0.00001; gnomAD 0.00001; gnomAD exomes 0.00001.
gnomAD v4.1: 10 of 1,579,338 alleles (0.00063%); highest among the groups gnomAD compares: Non-Finnish European, 0.00086%; no homozygotes.

Submissions (5):

Labcorp Genetics (formerly Invitae), Labcorp
Classification: Uncertain significance. Last evaluated: 2026-01-27. Review status: criteria provided, single submitter. Criteria: Invitae Variant Classification Sherloc (09022015). Collection method: clinical testing. Allele origin: germline.
Comment: This sequence change replaces alanine, which is neutral and non-polar, with valine, which is neutral and non-polar, at codon 20 of the LZTR1 protein (p.Ala20Val). This variant is present in population databases (rs770762358, gnomAD 0.001%). This variant has not been reported in the literature in individuals affected with LZTR1-related conditions. ClinVar contains an entry for this variant (Variation ID: 452228). Invitae Evidence Modeling of protein sequence and biophysical properties (such as structural, functional, and spatial information, amino acid conservation, physicochemical variation, residue mobility, and thermodynamic stability) indicates that this missense variant is not expected to disrupt LZTR1 protein function with a negative predictive value of 80%. In summary, the available evidence is currently insufficient to determine the role of this variant in disease. Therefore, it has been classified as a Variant of Uncertain Significance.

Ambry Genetics
Classification: Likely benign for Cardiovascular phenotype; Hereditary cancer-predisposing syndrome. Last evaluated: 2024-12-23. Review status: criteria provided, single submitter. Criteria: Ambry Variant Classification Scheme 2023. Collection method: clinical testing. Allele origin: germline.

Baylor Genetics
Classification: Uncertain significance for LZTR1-related schwannomatosis. Last evaluated: 2024-01-20. Review status: criteria provided, single submitter. Criteria: ACMG Guidelines, 2015. Collection method: clinical testing. Allele origin: unknown.

Baylor Genetics
Classification: Uncertain significance for Noonan syndrome 10. Last evaluated: 2021-10-26. Review status: criteria provided, single submitter. Criteria: ACMG Guidelines, 2015. Collection method: clinical testing. Allele origin: unknown. Affected: yes. Study: CSER-TexasKidsCanSeq.
Comment: This variant was determined to be of uncertain significance according to ACMG Guidelines, 2015 [PMID:25741868].

GeneDx
Classification: Uncertain significance. Last evaluated: 2017-09-18. Review status: criteria provided, single submitter. Criteria: GeneDx Variant Classification (06012015). Collection method: clinical testing. Allele origin: germline. Affected: yes.
Comment: The A20V variant has not been published as a pathogenic variant, nor has it been reported as a benign variant to our knowledge. The A20V variant is not observed in large population cohorts (Lek et al., 2016; 1000 Genomes Consortium et al., 2015; Exome Variant Server). It is a conservative amino acid substitution, which is not likely to impact secondary protein structure as these residues share similar properties. This substitution occurs at a position that is not conserved and in silico analysis predicts this variant likely does not alter the protein structure/function. In summary, based on the currently available information, it is unclear whether this variant is a pathogenic variant or a rare benign variant.